The following is an entry in ClinVar:

NM_020066.5(FMN2):c.3111C>T (p.Pro1037=)

Gene: FMN2 (formin 2; plus strand). Cytogenetic location: 1q43.
Variant type: single nucleotide variant.
Coding change: c.3111C>T on transcript NM_020066.5 (MANE Select); coding-DNA position 3111, C replaced by T.
Protein change: p.Pro1037=; no amino-acid change (proline 1037 retained).
Molecular consequence: synonymous variant. On other transcripts: intron variant (1).
Genome position (GRCh38, 1-based): chr1:240,207,923, C>T. VCF-style: chr1-240207923-C-T. GRCh37 (hg19) VCF-style: chr1-240371223-C-T.
Other names: c.3123C>T, p.Pro1041= (NM_001305424.2); c.1986+19661C>T (NM_001348094.2).
Identifiers: ClinVar variation 3051656 (VCV003051656.2), dbSNP rs71297737, ClinGen allele CA1477009.

ClinVar aggregate classification (germline): Likely benign. Review status: criteria provided, multiple submitters, no conflicts (2 of 4 stars). 2 submissions from 2 submitters: Likely benign (2). Last evaluated 2024-10-11.

Conditions:
FMN2-related disorder. Also called: FMN2-related condition.

Allele frequency attached by ClinVar (database versions not stated): gnomAD 0.00009; ExAC 0.00058; 1000 Genomes Project 0.21745.

Submissions (2):

Blueprint Genetics
Classification: Likely benign. Last evaluated: 2024-10-11. Review status: criteria provided, single submitter. Criteria: ACMG Guidelines, 2015. Collection method: clinical testing. Allele origin: germline.

PreventionGenetics, part of Exact Sciences
Classification: Likely benign for FMN2-related condition. Last evaluated: 2023-09-05. Review status: criteria provided, single submitter. Criteria: ACMG Guidelines, 2015. Collection method: clinical testing. Allele origin: germline.
Comment: This variant is classified as likely benign based on ACMG/AMP sequence variant interpretation guidelines (Richards et al. 2015 PMID: 25741868, with internal and published modifications).